The following is an entry in ClinVar:

NM_152564.5(VPS13B):c.9718dup (p.Met3240fs)

Gene: VPS13B (vacuolar protein sorting 13 homolog B; plus strand). Cytogenetic location: 8q22.2.
Variant type: Duplication.
Coding change: c.9718dup on transcript NM_152564.5 (MANE Select); coding-DNA position 9718, one base duplicated (A; older notation c.9718dupA).
Protein change: p.Met3240fs; shifts the reading frame from methionine 3240.
Molecular consequence: frameshift variant.
Genome position (GRCh38, 1-based): chr8:99,835,300, A duplicated; the last of 5 consecutive A bases (chr8:99,835,296-99,835,300); duplicating any one gives the same sequence. VCF-style (leftmost placement, unchanged base first): chr8-99835295-T-TA. GRCh37 (hg19) VCF-style: chr8-100847523-T-TA.
Other names: c.9793dup, p.Met3265fs (NM_017890.5); c.9793dup (NM_017890.3); c.9718dupA (NM_152564.4); c.9793dupA (NM_017890.4); short protein forms M3265fs, M3240fs.
Identifiers: ClinVar variation 279782 (VCV000279782.26), dbSNP rs886041185, ClinGen allele CA10603136.

ClinVar aggregate classification (germline): Pathogenic/Likely pathogenic. Review status: criteria provided, multiple submitters, no conflicts (2 of 4 stars). 8 submissions from 8 submitters: Pathogenic (3); Likely pathogenic (4). 1 of the submissions does not count toward it. Last evaluated 2026-01-06.

Conditions:
VPS13B-related disorder. Also called: VPS13B-related condition.
Inborn genetic diseases. Identifiers: MedGen C0950123, MeSH D030342.
Cohen syndrome (COH1). Also called: PEPPER SYNDROME; Cutis verticis gyrata, retinitis pigmentosa, and sensorineural deafness. Identifiers: Orphanet 193, MedGen C0265223, MONDO:0008999, OMIM 216550.

Submissions (8):

Labcorp Genetics (formerly Invitae), Labcorp
Classification: Pathogenic for Cohen syndrome. Last evaluated: 2026-01-06. Review status: criteria provided, single submitter. Criteria: Invitae Variant Classification Sherloc (09022015). Collection method: clinical testing. Allele origin: germline.
Comment: This sequence change creates a premature translational stop signal (p.Met3265Asnfs*8) in the VPS13B gene. It is expected to result in an absent or disrupted protein product. Loss-of-function variants in VPS13B are known to be pathogenic (PMID: 15141358, 16648375, 20461111). This variant is present in population databases (no rsID available, gnomAD 0.003%). This variant has not been reported in the literature in individuals affected with VPS13B-related conditions. ClinVar contains an entry for this variant (Variation ID: 279782). For these reasons, this variant has been classified as Pathogenic.

PreventionGenetics, part of Exact Sciences
Classification: Likely pathogenic for VPS13B-related condition. Last evaluated: 2025-06-20. Review status: criteria provided, single submitter. Criteria: ACMG Guidelines, 2015. Collection method: clinical testing. Allele origin: germline.
Comment: The VPS13B c.9718dupA variant is predicted to result in a frameshift and premature protein termination (p.Met3240Asnfs*8). This variant was reported in an individual with Cohen syndrome (supplementary table 2, Aradhya et al. 2012. PubMed ID: 22382802). This variant is reported in 0.0029% of alleles in individuals of Latino descent in gnomAD. Frameshift variants in VPS13B are expected to be pathogenic. This variant is interpreted as likely pathogenic.

Natera, Inc.
Classification: Likely pathogenic for Cohen syndrome. Last evaluated: 2024-09-06. Review status: criteria provided, single submitter. Criteria: Natera Variant Classification Schema (03/2026). Collection method: clinical testing. Allele origin: germline.
Comment: The c.9793dupA variant in VPS13B is a frameshift variant predicted to shift the reading frame beginning at codon 3265 and leads to a stop codon 8 codons downstream. This variant is expected to result in nonsense mediated decay, truncation, or a dysfunctional protein product. This variant is rare in the general population with a frequency below the threshold expected for the associated phenotype(s). Given the available evidence, this variant is classified as Likely Pathogenic.

Women's Health and Genetics/Laboratory Corporation of America, LabCorp
Classification: Likely pathogenic for Cohen syndrome. Last evaluated: 2023-01-25. Review status: criteria provided, single submitter. Criteria: LabCorp Variant Classification Summary - May 2015. Collection method: clinical testing. Allele origin: germline.
Comment: Variant summary: VPS13B c.9793dupA (p.Met3265AsnfsX8) results in a premature termination codon, predicted to cause a truncation of the encoded protein or absence of the protein due to nonsense mediated decay, which are commonly known mechanisms for disease. Truncations downstream of this position have been classified as pathogenic by our laboratory. The variant allele was found at a frequency of 4e-06 in 250664 control chromosomes. c.9793dupA has been reported in the literature in individuals affected with Cohen Syndrome (Aradhya_2012).To our knowledge, no experimental evidence demonstrating an impact on protein function has been reported. Five clinical diagnostic laboratories have submitted clinical-significance assessments for this variant to ClinVar after 2014 without evidence for independent evaluation. Laboratories classified the variant as pathogenic (n=4) or likely pathogenic (n=1). Based on the evidence outlined above, the variant was classified as pathogenic.

GeneDx
Classification: Pathogenic. Last evaluated: 2021-12-09. Review status: criteria provided, single submitter. Criteria: GeneDx Variant Classification Process June 2021. Collection method: clinical testing. Allele origin: germline. Affected: yes.
Comment: Observed in a patient with Cohen syndrome who harbors a second VPS13B variant (Aradhya et al., 2012); Frameshift variant predicted to result in protein truncation or nonsense mediated decay in a gene for which loss-of-function is a known mechanism of disease; Not observed at significant frequency in large population cohorts (Lek et al., 2016); This variant is associated with the following publications: (PMID: 22382802)

Blueprint Genetics
Classification: Likely pathogenic for VPS13B-related disorders. Last evaluated: 2021-10-21. Review status: criteria provided, single submitter. Criteria: ACMG Guidelines, 2015. Collection method: clinical testing. Allele origin: germline. Affected: yes. Observed: 1 variant allele.

Ambry Genetics
Classification: Pathogenic for Inborn genetic diseases. Last evaluated: 2017-04-28. Review status: criteria provided, single submitter. Criteria: Ambry exome assertion method (8-5-2015). Collection method: clinical testing. Allele origin: germline. Affected: yes. Observed: 1 variant allele.

Counsyl
Classification: Likely pathogenic for Cohen syndrome. Last evaluated: 2016-01-18. Review status: no assertion criteria provided. Collection method: clinical testing. Allele origin: unknown. Not counted in ClinVar's aggregate classification.

Literature cited by the submitters: PubMed 15141358 (cited by Labcorp Genetics (formerly Invitae), Labcorp); PubMed 16648375 (cited by Labcorp Genetics (formerly Invitae), Labcorp); PubMed 20461111 (cited by Labcorp Genetics (formerly Invitae), Labcorp); PubMed 22382802 (cited by Women's Health and Genetics/Laboratory Corporation of America, LabCorp and Counsyl).